The following is an entry in ClinVar:

ClinVar aggregate classification (germline): Uncertain significance (1 of 4 stars; one submission).

Allele frequency attached by ClinVar (database versions not stated): gnomAD 0.00001; TOPMed 0.00002; gnomAD exomes 0.00003; ExAC 0.00004.
gnomAD v4.1: 40 of 1,564,810 alleles (0.0026%); highest among the groups gnomAD compares: Middle Eastern, 0.086%; no homozygotes.

Submission:

Labcorp Genetics (formerly Invitae), Labcorp
Classification: Uncertain significance. Last evaluated: 2022-06-13. Review status: criteria provided, single submitter. Criteria: Invitae Variant Classification Sherloc (09022015). Collection method: clinical testing. Allele origin: germline.
Comment: This sequence change replaces aspartic acid, which is acidic and polar, with histidine, which is basic and polar, at codon 749 of the TOP3A protein (p.Asp749His). This variant is present in population databases (rs764056770, gnomAD 0.005%). This variant has not been reported in the literature in individuals affected with TOP3A-related conditions. Algorithms developed to predict the effect of missense changes on protein structure and function are either unavailable or do not agree on the potential impact of this missense change (SIFT: "Not Available"; PolyPhen-2: "Possibly Damaging"; Align-GVGD: "Not Available"). In summary, the available evidence is currently insufficient to determine the role of this variant in disease. Therefore, it has been classified as a Variant of Uncertain Significance.

NM_004618.5(TOP3A):c.2245G>C (p.Asp749His)

Gene: TOP3A (DNA topoisomerase III alpha; minus strand). Cytogenetic location: 17p11.2.
Variant type: single nucleotide variant.
Coding change: c.2245G>C on transcript NM_004618.5 (MANE Select); coding-DNA position 2245, G replaced by C.
Protein change: p.Asp749His; replaces aspartic acid 749 with histidine.
Molecular consequence: missense variant.
Genome position (GRCh38, 1-based): chr17:18,278,257, C>G on the plus strand (G>C on the coding strand, the complement: TOP3A is on the minus strand). VCF-style: chr17-18278257-C-G. GRCh37 (hg19) VCF-style: chr17-18181571-C-G.
Other names: c.1960G>C, p.Asp654His (NM_001320759.2); short protein forms D749H, D654H.
Identifiers: ClinVar variation 2082865 (VCV002082865.1), dbSNP rs764056770, ClinGen allele CA8429642.